The following is an entry in ClinVar:

ClinVar aggregate classification (germline): Uncertain significance (1 of 4 stars; one submission).

Conditions:
Inborn genetic diseases. Identifiers: MedGen C0950123, MeSH D030342.

gnomAD v4.1: 1 of 1,614,176 alleles (0.000062%); highest among the groups gnomAD compares: Non-Finnish European, 0.000085%; no homozygotes.

Submission:

Ambry Genetics
Classification: Uncertain significance for Inborn genetic diseases. Last evaluated: 2025-10-02. Review status: criteria provided, single submitter. Criteria: Ambry Variant Classification Scheme 2023. Collection method: clinical testing. Allele origin: germline.
Comment: The p.D169E variant (also known as c.507T>A), located in coding exon 1 of the SAMD9L gene, results from a T to A substitution at nucleotide position 507. The aspartic acid at codon 169 is replaced by glutamic acid, an amino acid with highly similar properties. This amino acid position is conserved. In addition, this alteration is predicted to be tolerated by in silico analysis. Based on the available evidence, the clinical significance of this variant remains unclear.

NM_152703.5(SAMD9L):c.507T>A (p.Asp169Glu)

Gene: SAMD9L (sterile alpha motif domain containing 9 like; minus strand). Cytogenetic location: 7q21.2.
Variant type: single nucleotide variant.
Coding change: c.507T>A on transcript NM_152703.5 (MANE Select); coding-DNA position 507, T replaced by A.
Protein change: p.Asp169Glu; replaces aspartic acid 169 with glutamic acid.
Molecular consequence: missense variant.
Genome position (GRCh38, 1-based): chr7:93,135,465, A>T on the plus strand (T>A on the coding strand, the complement: SAMD9L is on the minus strand). VCF-style: chr7-93135465-A-T. GRCh37 (hg19) VCF-style: chr7-92764778-A-T.
Other names: c.507T>A, p.Asp169Glu (NM_001303496.3, NM_001303497.3, NM_001303498.3 and 5 more transcripts); short protein forms D169E.
Identifiers: ClinVar variation 4630033 (VCV004630033.1).
Genomic context (GRCh38, chr7:93,135,465, plus strand): 5'-TGCTCCTGTTTCAGGTTGTAGAGTATAATGTTCTATGTAGCGATGGCTGTCATGGAACTG[A>T]TCAAAAGGATATGGCATACAAGTCAATTGTTCAGGTTTTAGCTTACCCTTTTTCTTGTGT-3'
Protein context (NP_689916.2, residues 159-179): EQLTCMPYPF[Asp169Glu]QFHDSHRYIE